The following is an entry in ClinVar:

ClinVar aggregate classification (germline): Pathogenic (1 of 4 stars; one submission).

Submission:

Labcorp Genetics (formerly Invitae), Labcorp
Classification: Pathogenic. Last evaluated: 2024-10-11. Review status: criteria provided, single submitter. Criteria: Invitae Variant Classification Sherloc (09022015). Collection method: clinical testing. Allele origin: germline.
Comment: This sequence change creates a premature translational stop signal (p.Tyr104*) in the PHEX gene. It is expected to result in an absent or disrupted protein product. Loss-of-function variants in PHEX are known to be pathogenic (PMID: 9097956, 9106524, 19219621). This variant is not present in population databases (gnomAD no frequency). This variant has not been reported in the literature in individuals affected with PHEX-related conditions. For these reasons, this variant has been classified as Pathogenic.

Literature cited by the submitters: PubMed 9097956; PubMed 9106524; PubMed 19219621.

NM_000444.6(PHEX):c.311dup (p.Tyr104Ter)

Gene: PHEX (phosphate regulating endopeptidase X-linked; plus strand). Cytogenetic location: Xp22.11.
Variant type: Duplication.
Coding change: c.311dup on transcript NM_000444.6 (MANE Select); coding-DNA position 311, one base duplicated (A; older notation c.311dupA).
Protein change: p.Tyr104Ter; replaces tyrosine 104 with a stop codon.
Molecular consequence: nonsense.
Genome position (GRCh38, 1-based): chrX:22,047,173, A duplicated. VCF-style (leftmost placement, unchanged base first): chrX-22047172-T-TA. GRCh37 (hg19) VCF-style: chrX-22065290-T-TA.
Other names: c.311dup, p.Tyr104Ter (NM_001282754.2); short protein forms Y104*.
Identifiers: ClinVar variation 3722715 (VCV003722715.2).